The following is an entry in ClinVar:

ClinVar aggregate classification (germline): Uncertain significance (1 of 4 stars; one submission).

Conditions:
Cardiovascular phenotype. Identifiers: MedGen CN230736.

Submission:

Molecular Diagnostic Laboratory for Inherited Cardiovascular Disease, Montreal Heart Institute
Classification: Uncertain significance for Cardiovascular phenotype. Last evaluated: 2026-09-21. Review status: criteria provided, single submitter. Criteria: ACMG Guidelines, 2015. Collection method: clinical testing. Allele origin: germline. Affected: yes.
Comment: PM2

NM_001040113.2(MYH11):c.652T>A (p.Tyr218Asn)

Gene: MYH11 (myosin heavy chain 11; minus strand). Cytogenetic location: 16p13.11.
Variant type: single nucleotide variant.
Coding change: c.652T>A on transcript NM_001040113.2 (MANE Plus Clinical); coding-DNA position 652, T replaced by A.
Protein change: p.Tyr218Asn; replaces tyrosine 218 with asparagine.
Molecular consequence: missense variant. On other transcripts: intron variant (2).
Genome position (GRCh38, 1-based): chr16:15,784,700, A>T on the plus strand (T>A on the coding strand, the complement: MYH11 is on the minus strand). VCF-style: chr16-15784700-A-T. GRCh37 (hg19) VCF-style: chr16-15878557-A-T.
Other names: c.652T>A, p.Tyr218Asn (NM_001040114.2); c.633+1930T>A (NM_002474.3, NM_022844.3); short protein forms Y218N.
Identifiers: ClinVar variation 5037905 (VCV005037905.1).